The following is an entry in ClinVar:

NM_000898.5(MAOB):c.1439C>T (p.Thr480Ile)

Gene: MAOB (monoamine oxidase B; minus strand). Cytogenetic location: Xp11.3.
Variant type: single nucleotide variant.
Coding change: c.1439C>T on transcript NM_000898.5 (MANE Select); coding-DNA position 1439, C replaced by T.
Protein change: p.Thr480Ile; replaces threonine 480 with isoleucine.
Molecular consequence: missense variant.
Genome position (GRCh38, 1-based): chrX:43,767,590, G>A on the plus strand (C>T on the coding strand, the complement: MAOB is on the minus strand). VCF-style: chrX-43767590-G-A. GRCh37 (hg19) VCF-style: chrX-43626837-G-A.
Other names: short protein forms T480I.
Identifiers: ClinVar variation 4999454 (VCV004999454.1).

ClinVar aggregate classification (germline): Uncertain significance (1 of 4 stars; one submission).

Conditions:
MAOB-related condition.

gnomAD v4.1: 1 of 1,210,865 alleles (0.000083%); highest among the groups gnomAD compares: Non-Finnish European, 0.00011%; no homozygotes.

Submission:

PreventionGenetics, part of Exact Sciences
Classification: Uncertain significance for MAOB-related condition. Last evaluated: 2025-04-10. Review status: criteria provided, single submitter. Criteria: ACMG Guidelines, 2015. Collection method: clinical testing. Allele origin: germline.
Comment: The MAOB c.1439C>T variant is predicted to result in the amino acid substitution p.Thr480Ile. To our knowledge, this variant has not been reported in the literature or in a large population database (gnomAD), indicating this variant is rare. At this time, the clinical significance of this variant is uncertain due to the absence of conclusive functional and genetic evidence.